The following is an entry in ClinVar:

ClinVar aggregate classification (germline): Uncertain significance. Review status: criteria provided, multiple submitters, no conflicts (2 of 4 stars). 2 submissions from 2 submitters: Uncertain significance (2). Last evaluated 2023-11-02.

Conditions:
Cardiovascular phenotype. Identifiers: MedGen CN230736.
Anterior segment dysgenesis. Also called: Ocular anterior segment dysgenesis. Identifiers: Orphanet 88632, MedGen C1862839, MONDO:0019503, HP:0007700.
Congenital primary aphakia. Also called: ANTERIOR SEGMENT DYSGENESIS 2; Anterior segment dysgenesis 2, multiple subtypes. Identifiers: Orphanet 83461, MedGen C1853230, MONDO:0012456, OMIM 610256.

Submissions (2):

Labcorp Genetics (formerly Invitae), Labcorp
Classification: Uncertain significance for Anterior segment dysgenesis; Congenital primary aphakia. Last evaluated: 2023-11-02. Review status: criteria provided, single submitter. Criteria: Invitae Variant Classification Sherloc (09022015). Collection method: clinical testing. Allele origin: germline.
Comment: This variant, c.581_586dup, results in the insertion of 2 amino acid(s) of the FOXE3 protein (p.Ala194_Pro195dup), but otherwise preserves the integrity of the reading frame. This variant is not present in population databases (gnomAD no frequency). This variant has not been reported in the literature in individuals affected with FOXE3-related conditions. ClinVar contains an entry for this variant (Variation ID: 1749847). In summary, the available evidence is currently insufficient to determine the role of this variant in disease. Therefore, it has been classified as a Variant of Uncertain Significance.

Ambry Genetics
Classification: Uncertain significance for Cardiovascular phenotype. Last evaluated: 2020-03-06. Review status: criteria provided, single submitter. Criteria: Ambry Variant Classification Scheme 2023. Collection method: clinical testing. Allele origin: germline.
Comment: The c.581_586dupCGCCCG variant (also known as p.A194_P195dup), located in coding exon 1 of the FOXE3 gene. This variant results from an in-frame duplication of 6 nucleotides at positions 581 to 586. This results in the insertion of 2 amino acids between codons 194 and 195. This alteration is predicted to be neutral by in silico analysis (Choi Y et al. PLoS ONE. 2012; 7(10):e46688). Since supporting evidence is limited at this time, the clinical significance of this alteration remains unclear.

NM_012186.3(FOXE3):c.575CGCCCG[3] (p.Pro195_Gly196insAlaPro)

Genes: FOXE3 (forkhead box E3; plus strand), LINC01389 (long independently transcribed non-coding RNA 1389; minus strand). Cytogenetic location: 1p33.
Variant type: Microsatellite.
Coding change: c.575CGCCCG[3] on transcript NM_012186.3 (MANE Select); three copies in a row of the 6-base unit CGCCCG starting at c.575; the reference has two copies in a row; one copy, 6 bases duplicated.
Protein change: p.Pro195_Gly196insAlaPro.
Molecular consequence: inframe insertion.
Genome position (GRCh38, 1-based): chr1:47,416,896-47,416,901, CGCCCG duplicated; duplicating any 6 consecutive bases within chr1:47,416,888-47,416,901 gives the same sequence; the position shown is the placement nearest the transcript's 3' end. VCF-style (leftmost placement, unchanged base first): chr1-47416887-A-ACGCGCC. GRCh37 (hg19) VCF-style: chr1-47882559-A-ACGCGCC.
Identifiers: ClinVar variation 1749847 (VCV001749847.5), dbSNP rs1336140217, ClinGen allele CA916170017.